The following is an entry in ClinVar:

NM_002715.4(PPP2CA):c.536A>G (p.His179Arg)

Gene: PPP2CA (protein phosphatase 2 catalytic subunit alpha; minus strand). Cytogenetic location: 5q31.1.
Variant type: single nucleotide variant.
Coding change: c.536A>G on transcript NM_002715.4 (MANE Select); coding-DNA position 536, A replaced by G.
Protein change: p.His179Arg; replaces histidine 179 with arginine.
Molecular consequence: missense variant. On other transcripts: non-coding transcript variant (1).
Genome position (GRCh38, 1-based): chr5:134,201,025, T>C on the plus strand (A>G on the coding strand, the complement: PPP2CA is on the minus strand). VCF-style: chr5-134201025-T-C. GRCh37 (hg19) VCF-style: chr5-133536716-T-C.
Other names: c.341A>G, p.His114Arg (NM_001355019.2); short protein forms H114R, H179R.
Identifiers: ClinVar variation 4740682 (VCV004740682.1).

ClinVar aggregate classification (germline): Uncertain significance (1 of 4 stars; one submission).

Submission:

Labcorp Genetics (formerly Invitae), Labcorp
Classification: Uncertain significance. Last evaluated: 2025-07-23. Review status: criteria provided, single submitter. Criteria: Invitae Variant Classification Sherloc (09022015). Collection method: clinical testing. Allele origin: germline.
Comment: This sequence change replaces histidine, which is basic and polar, with arginine, which is basic and polar, at codon 179 of the PPP2CA protein (p.His179Arg). This variant is not present in population databases (gnomAD no frequency). This variant has not been reported in the literature in individuals affected with PPP2CA-related conditions. Invitae Evidence Modeling of protein sequence and biophysical properties (such as structural, functional, and spatial information, amino acid conservation, physicochemical variation, residue mobility, and thermodynamic stability) indicates that this missense variant is not expected to disrupt PPP2CA protein function with a negative predictive value of 80%. In summary, the available evidence is currently insufficient to determine the role of this variant in disease. Therefore, it has been classified as a Variant of Uncertain Significance.